The following is an entry in ClinVar:

NM_002069.6(GNAI1):c.57C>A (p.Ile19=)

Gene: GNAI1 (G protein subunit alpha i1; plus strand). Cytogenetic location: 7q21.11.
Variant type: single nucleotide variant.
Coding change: c.57C>A on transcript NM_002069.6 (MANE Select); coding-DNA position 57, C replaced by A.
Protein change: p.Ile19=; no amino-acid change (isoleucine 19 retained).
Molecular consequence: synonymous variant.
Genome position (GRCh38, 1-based): chr7:80,135,217, C>A. VCF-style: chr7-80135217-C-A. GRCh37 (hg19) VCF-style: chr7-79764533-C-A.
Identifiers: ClinVar variation 3905074 (VCV003905074.10).

ClinVar aggregate classification (germline): Benign (1 of 4 stars; one submission).

gnomAD v4.1: 1,303 of 1,555,578 alleles (0.084%); highest among the groups gnomAD compares: South Asian, 1.3%; 17 homozygotes.

Submission:

CeGaT Center for Human Genetics Tuebingen
Classification: Benign. Last evaluated: 2025-10-01. Review status: criteria provided, single submitter. Criteria: CeGaT Center For Human Genetics Tuebingen Variant Classification Criteria Version 2. Collection method: clinical testing. Allele origin: germline. Affected: yes. Observed: 2 variant alleles.
Comment: GNAI1: BP4, BP7, BS1, BS2